The following is an entry in ClinVar:

NC_000001.11:g.(?_215813726)_(215817205_?)del

Gene: USH2A (usherin; minus strand). Cytogenetic location: 1q41.
Variant type: Deletion.
Identifiers: ClinVar variation 833296 (VCV000833296.5).

ClinVar aggregate classification (germline): Pathogenic (1 of 4 stars; one submission).

Submission:

Labcorp Genetics (formerly Invitae), Labcorp
Classification: Pathogenic. Last evaluated: 2019-02-13. Review status: criteria provided, single submitter. Criteria: Invitae Variant Classification Sherloc (09022015). Collection method: clinical testing. Allele origin: germline.
Comment: For these reasons, this variant has been classified as Pathogenic. Loss-of-function variants in USH2A are known to be pathogenic (PMID: 10729113, 10909849, 20507924, 25649381). This variant has not been reported in the literature in individuals with USH2A-related conditions. This variant is an out-of-frame deletion of the genomic region encompassing exons 48-49 of the USH2A gene. This is expected to create a premature translational stop signal and result in an absent or disrupted protein product.

Literature cited by the submitters: PubMed 10729113; PubMed 10909849; PubMed 20507924; PubMed 25649381.